The following is an entry in ClinVar:

NM_004360.5(CDH1):c.200C>A (p.Ala67Asp)

Gene: CDH1 (cadherin 1; plus strand). Cytogenetic location: 16q22.1.
Variant type: single nucleotide variant.
Coding change: c.200C>A on transcript NM_004360.5 (MANE Select); coding-DNA position 200, C replaced by A.
Protein change: p.Ala67Asp; replaces alanine 67 with aspartic acid.
Molecular consequence: missense variant. On other transcripts: 5 prime UTR variant (2).
Genome position (GRCh38, 1-based): chr16:68,801,706, C>A. VCF-style: chr16-68801706-C-A. GRCh37 (hg19) VCF-style: chr16-68835609-C-A.
Other names: c.200C>A (LRG_301t1); c.200C>A, p.Ala67Asp (NM_001317184.2); c.-1416C>A (NM_001317185.2); c.-1620C>A (NM_001317186.2); short protein forms A67D.
Identifiers: ClinVar variation 220373 (VCV000220373.22), dbSNP rs730881660, ClinGen allele CA348998.

ClinVar aggregate classification (germline): Conflicting classifications of pathogenicity. Review status: criteria provided, conflicting classifications (1 of 4 stars). 5 submissions from 5 submitters: Uncertain significance (3); Likely benign (1). 1 of the submissions does not count toward it. Last evaluated 2025-09-16.

Conditions:
Hereditary cancer-predisposing syndrome. Also called: Tumor predisposition; Hereditary neoplastic syndrome; Neoplastic Syndromes, Hereditary; Hereditary Cancer Syndrome. Identifiers: Orphanet 140162, MedGen C0027672, MeSH D009386, MONDO:0015356.
Hereditary diffuse gastric adenocarcinoma (HDGC). Also called: DIFFUSE GASTRIC AND LOBULAR BREAST CANCER SYNDROME. Identifiers: Orphanet 26106, MedGen C1708349, MONDO:0007648, OMIM 137215.
Malignant tumor of breast. Also called: Malignant breast neoplasm; Cancer breast. Identifiers: MedGen C0006142, MONDO:0007254. Disease mechanism: loss of function.

Allele frequency attached by ClinVar (database versions not stated): ExAC 0.00001; gnomAD 0.00001; gnomAD exomes 0.00001.
gnomAD v4.1: 4 of 1,614,032 alleles (0.00025%); highest among the groups gnomAD compares: Non-Finnish European, 0.00025%; no homozygotes.

Submissions (5):

Labcorp Genetics (formerly Invitae), Labcorp
Classification: Uncertain significance for Hereditary diffuse gastric adenocarcinoma. Last evaluated: 2025-09-16. Review status: criteria provided, single submitter. Criteria: Invitae Variant Classification Sherloc (09022015). Collection method: clinical testing. Allele origin: germline.
Comment: This sequence change replaces alanine, which is neutral and non-polar, with aspartic acid, which is acidic and polar, at codon 67 of the CDH1 protein (p.Ala67Asp). This variant is present in population databases (rs730881660, gnomAD 0.006%). This variant has not been reported in the literature in individuals affected with CDH1-related conditions. ClinVar contains an entry for this variant (Variation ID: 220373). An algorithm developed to predict the effect of missense changes on protein structure and function (PolyPhen-2) suggests that this variant is likely to be disruptive. In summary, the available evidence is currently insufficient to determine the role of this variant in disease. Therefore, it has been classified as a Variant of Uncertain Significance.

Ambry Genetics
Classification: Likely benign for Hereditary cancer-predisposing syndrome. Last evaluated: 2024-01-30. Review status: criteria provided, single submitter. Criteria: Ambry Variant Classification Scheme 2023. Collection method: clinical testing. Allele origin: germline.

Color Diagnostics, LLC DBA Color Health
Classification: Uncertain significance for Hereditary cancer-predisposing syndrome. Last evaluated: 2023-12-05. Review status: criteria provided, single submitter. Criteria: ACMG Guidelines, 2015. Collection method: clinical testing. Allele origin: germline.
Comment: This missense variant replaces alanine with aspartic acid at codon 67 of the CDH1 protein. To our knowledge, functional studies have not been reported for this variant. This variant has not been reported in individuals affected with hereditary cancer in the literature. This variant has been identified in 3/251438 chromosomes in the general population by the Genome Aggregation Database (gnomAD). The available evidence is insufficient to determine the role of this variant in disease conclusively. Therefore, this variant is classified as a Variant of Uncertain Significance.

GeneDx
Classification: Uncertain significance. Last evaluated: 2020-11-19. Review status: criteria provided, single submitter. Criteria: GeneDx Variant Classification Process June 2021. Collection method: clinical testing. Allele origin: germline. Affected: yes.
Comment: Not observed at a significant frequency in large population cohorts (Lek et al., 2016); In silico analysis supports that this missense variant does not alter protein structure/function; Has not been previously reported as pathogenic or benign to our knowledge

Department of Pathology and Laboratory Medicine, Sinai Health System
Classification: Uncertain significance for Malignant tumor of breast. Review status: no assertion criteria provided. Collection method: clinical testing. Allele origin: unknown. Affected: yes. Study: The Canadian Open Genetics Repository (COGR). Not counted in ClinVar's aggregate classification.
Comment: The CDH1 p.Ala67Asp variant was not identified in the literature. The variant was identified in dbSNP (ID: rs730881660) as â€šÃ„ÃºWith Uncertain significance alleleâ€šÃ„Ã¹ and ClinVar (classified as uncertain significance by Invitae and Ambry Genetics). The variant was identified in control databases in 3 of 246208 chromosomes at a frequency of 0.00001 (Genome Aggregation Database Feb 27, 2017). The variant was observed in the following populations: European (Non-Finnish) in 2 of 111662 chromosomes (freq: 0.00002) and East Asian in 1 of 17248 chromosomes (freq: 0.00006), while the variant was not observed in the African, Other, Latino, Ashkenazi Jewish, European (Finnish), or South Asian populations. The variant was identified in our laboratory with a co-occurring pathogenic POLD1 variant (c.1433G>A, p.Ser478Asn), increasing the likelihood that the CDH1 variant does not have clinical significance. The p.Ala67 residue is conserved in mammals and computational analyses (PolyPhen-2, SIFT, AlignGVGD, BLOSUM, MutationTaster) provide inconsistent predictions regarding the impact to the protein; this information is not very predictive of pathogenicity. The variant occurs outside of the splicing consensus sequence and in silico or computational prediction software programs (SpliceSiteFinder, MaxEntScan, NNSPLICE, GeneSplicer) do not predict a difference in splicing. In summary, based on the above information, the clinical significance of this variant cannot be determined with certainty at this time. This variant is classified as a variant of uncertain significance.